The following is an entry in ClinVar:

ClinVar aggregate classification (germline): Uncertain significance. Review status: criteria provided, multiple submitters, no conflicts (2 of 4 stars). 2 submissions from 2 submitters: Uncertain significance (2). Last evaluated 2025-03-11.

Conditions:
Hereditary cancer-predisposing syndrome. Also called: Hereditary Cancer Syndrome; Tumor predisposition; Neoplastic Syndromes, Hereditary; Hereditary neoplastic syndrome. Identifiers: Orphanet 140162, MedGen C0027672, MeSH D009386, MONDO:0015356.
Gastrointestinal stromal tumor. Also called: Gastrointestinal stromal tumor, somatic; Gastrointestinal stroma tumor. Identifiers: Orphanet 44890, MedGen C0238198, MeSH D046152, MONDO:0011719, OMIM 606764, HP:0100723.

Submissions (2):

Labcorp Genetics (formerly Invitae), Labcorp
Classification: Uncertain significance for Gastrointestinal stromal tumor. Last evaluated: 2025-03-11. Review status: criteria provided, single submitter. Criteria: Invitae Variant Classification Sherloc (09022015). Collection method: clinical testing. Allele origin: germline.
Comment: This sequence change replaces isoleucine, which is neutral and non-polar, with phenylalanine, which is neutral and non-polar, at codon 1050 of the PDGFRA protein (p.Ile1050Phe). This variant is not present in population databases (gnomAD no frequency). This variant has not been reported in the literature in individuals affected with PDGFRA-related conditions. ClinVar contains an entry for this variant (Variation ID: 641326). Invitae Evidence Modeling of protein sequence and biophysical properties (such as structural, functional, and spatial information, amino acid conservation, physicochemical variation, residue mobility, and thermodynamic stability) indicates that this missense variant is not expected to disrupt PDGFRA protein function with a negative predictive value of 80%. In summary, the available evidence is currently insufficient to determine the role of this variant in disease. Therefore, it has been classified as a Variant of Uncertain Significance.

Ambry Genetics
Classification: Uncertain significance for Hereditary cancer-predisposing syndrome. Last evaluated: 2024-10-14. Review status: criteria provided, single submitter. Criteria: Ambry Variant Classification Scheme 2023. Collection method: clinical testing. Allele origin: germline.
Comment: The p.I1050F variant (also known as c.3148A>T), located in coding exon 22 of the PDGFRA gene, results from an A to T substitution at nucleotide position 3148. The isoleucine at codon 1050 is replaced by phenylalanine, an amino acid with highly similar properties. This amino acid position is conserved. In addition, the in silico prediction for this alteration is inconclusive. Based on the available evidence, the clinical significance of this variant remains unclear.

NM_006206.6(PDGFRA):c.3148A>T (p.Ile1050Phe)

Gene: PDGFRA (platelet derived growth factor receptor alpha; plus strand). Cytogenetic location: 4q12.
Variant type: single nucleotide variant.
Coding change: c.3148A>T on transcript NM_006206.6 (MANE Select); coding-DNA position 3148, A replaced by T.
Protein change: p.Ile1050Phe; replaces isoleucine 1050 with phenylalanine.
Molecular consequence: missense variant.
Genome position (GRCh38, 1-based): chr4:54,295,150, A>T. VCF-style: chr4-54295150-A-T. GRCh37 (hg19) VCF-style: chr4-55161317-A-T.
Other names: c.3223A>T, p.Ile1075Phe (NM_001347828.2); c.3148A>T, p.Ile1050Phe (NM_001347829.2); c.3187A>T, p.Ile1063Phe (NM_001347830.2); short protein forms I1050F, I1063F, I1075F.
Identifiers: ClinVar variation 641326 (VCV000641326.10), dbSNP rs757362827, ClinGen allele CA356896496.